The following is an entry in ClinVar:

ClinVar aggregate classification (germline): Uncertain significance. Review status: criteria provided, multiple submitters, no conflicts (2 of 4 stars). 2 submissions from 2 submitters: Uncertain significance (2). Last evaluated 2025-09-26.

Conditions:
Hereditary cancer-predisposing syndrome. Also called: Hereditary neoplastic syndrome; Neoplastic Syndromes, Hereditary; Hereditary Cancer Syndrome; Tumor predisposition. Identifiers: Orphanet 140162, MedGen C0027672, MeSH D009386, MONDO:0015356.
Haddad syndrome (OHD). Also called: Ondine-Hirschsprung disease. Identifiers: Orphanet 99803, MedGen C1859049, MONDO:0020493.

Allele frequency attached by ClinVar (database versions not stated): gnomAD exomes below 0.00001.

Submissions (2):

Ambry Genetics
Classification: Uncertain significance for Hereditary cancer-predisposing syndrome. Last evaluated: 2025-09-26. Review status: criteria provided, single submitter. Criteria: Ambry Variant Classification Scheme 2023. Collection method: clinical testing. Allele origin: germline.
Comment: The p.D72N variant (also known as c.214G>A), located in coding exon 1 of the PHOX2B gene, results from a G to A substitution at nucleotide position 214. The aspartic acid at codon 72 is replaced by asparagine, an amino acid with highly similar properties. This amino acid position is conserved. In addition, this alteration is predicted to be tolerated by in silico analysis. Since supporting evidence is limited at this time, the clinical significance of this alteration remains unclear.

Labcorp Genetics (formerly Invitae), Labcorp
Classification: Uncertain significance for Haddad syndrome. Last evaluated: 2021-10-28. Review status: criteria provided, single submitter. Criteria: Invitae Variant Classification Sherloc (09022015). Collection method: clinical testing. Allele origin: germline.
Comment: This sequence change replaces aspartic acid, which is acidic and polar, with asparagine, which is neutral and polar, at codon 72 of the PHOX2B protein (p.Asp72Asn). This variant is not present in population databases (gnomAD no frequency). In summary, the available evidence is currently insufficient to determine the role of this variant in disease. Therefore, it has been classified as a Variant of Uncertain Significance. Algorithms developed to predict the effect of missense changes on protein structure and function are either unavailable or do not agree on the potential impact of this missense change (SIFT: "Deleterious"; PolyPhen-2: "Possibly Damaging"; Align-GVGD: "Class C15"). This variant has not been reported in the literature in individuals affected with PHOX2B-related conditions.

NM_003924.4(PHOX2B):c.214G>A (p.Asp72Asn)

Genes: PHOX2B (paired like homeobox 2B; minus strand), PHOX2B-AS1 (PHOX2B antisense RNA 1; plus strand). Cytogenetic location: 4p13.
Variant type: single nucleotide variant.
Coding change: c.214G>A on transcript NM_003924.4 (MANE Select); coding-DNA position 214, G replaced by A.
Protein change: p.Asp72Asn; replaces aspartic acid 72 with asparagine.
Molecular consequence: missense variant.
Genome position (GRCh38, 1-based): chr4:41,748,397, C>T on the plus strand (G>A on the coding strand, the complement: PHOX2B is on the minus strand). VCF-style: chr4-41748397-C-T. GRCh37 (hg19) VCF-style: chr4-41750414-C-T.
Other names: short protein forms D72N.
Identifiers: ClinVar variation 1484840 (VCV001484840.9), dbSNP rs1733980369, ClinGen allele CA356740840.